The following is an entry in ClinVar:

NM_001943.5(DSG2):c.1114C>T (p.Pro372Ser)

Gene: DSG2 (desmoglein 2; plus strand). Cytogenetic location: 18q12.1.
Variant type: single nucleotide variant.
Coding change: c.1114C>T on transcript NM_001943.5 (MANE Select); coding-DNA position 1114, C replaced by T.
Protein change: p.Pro372Ser; replaces proline 372 with serine.
Molecular consequence: missense variant.
Genome position (GRCh38, 1-based): chr18:31,531,086, C>T. VCF-style: chr18-31531086-C-T. GRCh37 (hg19) VCF-style: chr18-29111049-C-T.
Other names: short protein forms P372S.
Identifiers: ClinVar variation 2775219 (VCV002775219.2), dbSNP rs2510915341, ClinGen allele CA402138582.

ClinVar aggregate classification (germline): Uncertain significance (1 of 4 stars; one submission).

Conditions:
Cardiomyopathy (CMYO). Also called: Cardiomyopathies. Identifiers: Orphanet 167848, MedGen C0878544, MONDO:0004994, HP:0001638. Inheritance: Various modes of inheritance.

Allele frequency attached by ClinVar (database versions not stated): gnomAD exomes below 0.00001.
gnomAD v4.1: 2 of 1,614,076 alleles (0.00012%); highest among the groups gnomAD compares: Non-Finnish European, 0.00017%; no homozygotes.

Submission:

Color Diagnostics, LLC DBA Color Health
Classification: Uncertain significance for Cardiomyopathy. Last evaluated: 2022-12-24. Review status: criteria provided, single submitter. Criteria: ACMG Guidelines, 2015. Collection method: clinical testing. Allele origin: germline.
Comment: This missense variant replaces proline with serine at codon 372 of the DSG2 protein. Computational prediction suggests that this variant may not impact protein structure and function (internally defined REVEL score threshold <= 0.5, PMID: 27666373). To our knowledge, functional studies have not been reported for this variant. This variant has not been reported in individuals affected with DSG2-related disorders in the literature. This variant has not been identified in the general population by the Genome Aggregation Database (gnomAD). The available evidence is insufficient to determine the role of this variant in disease conclusively. Therefore, this variant is classified as a Variant of Uncertain Significance.